The following is an entry in ClinVar:

ClinVar aggregate classification (germline): Uncertain significance. Review status: criteria provided, multiple submitters, no conflicts (2 of 4 stars). 2 submissions from 2 submitters: Uncertain significance (2). Last evaluated 2021-11-10.

Conditions:
Hereditary cancer-predisposing syndrome. Also called: Neoplastic Syndromes, Hereditary; Hereditary neoplastic syndrome; Tumor predisposition; Hereditary Cancer Syndrome. Identifiers: Orphanet 140162, MedGen C0027672, MeSH D009386, MONDO:0015356.
Bloom syndrome (BLM). Also called: Bloom-Torre-Machacek syndrome. Identifiers: Orphanet 125, MedGen C0005859, MONDO:0008876, OMIM 210900.

Submissions (2):

Labcorp Genetics (formerly Invitae), Labcorp
Classification: Uncertain significance for Bloom syndrome. Last evaluated: 2021-11-10. Review status: criteria provided, single submitter. Criteria: Invitae Variant Classification Sherloc (09022015). Collection method: clinical testing. Allele origin: germline.
Comment: This variant is not present in population databases (gnomAD no frequency). This variant has not been reported in the literature in individuals affected with BLM-related conditions. Algorithms developed to predict the effect of missense changes on protein structure and function (SIFT, PolyPhen-2, Align-GVGD) all suggest that this variant is likely to be disruptive. In summary, the available evidence is currently insufficient to determine the role of this variant in disease. Therefore, it has been classified as a Variant of Uncertain Significance. This sequence change replaces leucine, which is neutral and non-polar, with serine, which is neutral and polar, at codon 1253 of the BLM protein (p.Leu1253Ser).

Ambry Genetics
Classification: Uncertain significance for Hereditary cancer-predisposing syndrome. Last evaluated: 2021-10-05. Review status: criteria provided, single submitter. Criteria: Ambry Variant Classification Scheme 2023. Collection method: clinical testing. Allele origin: germline.
Comment: The p.L1253S variant (also known as c.3758T>C), located in coding exon 19 of the BLM gene, results from a T to C substitution at nucleotide position 3758. The leucine at codon 1253 is replaced by serine, an amino acid with dissimilar properties. This amino acid position is conserved. In addition, the in silico prediction for this alteration is inconclusive. Since supporting evidence is limited at this time, the clinical significance of this alteration remains unclear.

NM_000057.4(BLM):c.3758T>C (p.Leu1253Ser)

Gene: BLM (BLM RecQ like helicase; plus strand). Cytogenetic location: 15q26.1.
Variant type: single nucleotide variant.
Coding change: c.3758T>C on transcript NM_000057.4 (MANE Select); coding-DNA position 3758, T replaced by C.
Protein change: p.Leu1253Ser; replaces leucine 1253 with serine.
Molecular consequence: missense variant.
Genome position (GRCh38, 1-based): chr15:90,809,143, T>C. VCF-style: chr15-90809143-T-C. GRCh37 (hg19) VCF-style: chr15-91352373-T-C.
Other names: c.3758T>C, p.Leu1253Ser (NM_001287246.2); c.3365T>C, p.Leu1122Ser (NM_001287247.2); c.2633T>C, p.Leu878Ser (NM_001287248.2); short protein forms L1122S, L878S, L1253S.
Identifiers: ClinVar variation 1392485 (VCV001392485.8), dbSNP rs2151198266, ClinGen allele CA393849595.